The following is an entry in ClinVar:

NM_013382.7(POMT2):c.1105C>A (p.Arg369Ser)

Gene: POMT2 (protein O-mannosyltransferase 2; minus strand). Cytogenetic location: 14q24.3.
Variant type: single nucleotide variant.
Coding change: c.1105C>A on transcript NM_013382.7 (MANE Select); coding-DNA position 1105, C replaced by A.
Protein change: p.Arg369Ser; replaces arginine 369 with serine.
Molecular consequence: missense variant.
Genome position (GRCh38, 1-based): chr14:77,296,175, G>T on the plus strand (C>A on the coding strand, the complement: POMT2 is on the minus strand). VCF-style: chr14-77296175-G-T. GRCh37 (hg19) VCF-style: chr14-77762518-G-T.
Other names: short protein forms R369S.
Identifiers: ClinVar variation 1714104 (VCV001714104.6), dbSNP rs779190087, ClinGen allele CA390519446.

ClinVar aggregate classification (germline): Uncertain significance (1 of 4 stars; one submission).

Conditions:
Muscular dystrophy-dystroglycanopathy (congenital with impaired intellectual development), type B, 2. Also called: Muscular dystrophy-dystroglycanopathy (congenital with intellectual disability), type B2; MUSCULAR DYSTROPHY, CONGENITAL, POMT2-RELATED. Identifiers: MedGen C3150416, MONDO:0013160, OMIM 613156.
Autosomal recessive limb-girdle muscular dystrophy type 2N. Also called: Muscular dystrophy-dystroglycanopathy (limb-girdle), type C, 2; MUSCULAR DYSTROPHY-DYSTROGLYCANOPATHY, LIMB-GIRDLE, POMT2-RELATED. Identifiers: Orphanet 206559, MedGen C3150418, MONDO:0013162, OMIM 613158.
Muscular dystrophy-dystroglycanopathy (congenital with brain and eye anomalies), type A2. Also called: MUSCULAR DYSTROPHY-DYSTROGLYCANOPATHY (CONGENITAL WITH BRAIN AND EYE ANOMALIES), TYPE A, 2; WALKER-WARBURG SYNDROME OR MUSCLE-EYE-BRAIN DISEASE, POMT2-RELATED. Identifiers: Orphanet 588, Orphanet 899, MedGen C3150411, MONDO:0013154, OMIM 613150.

gnomAD v4.1: 1 of 1,602,714 alleles (0.000062%); highest among the groups gnomAD compares: Non-Finnish European, 0.000085%; no homozygotes.

Submission:

Labcorp Genetics (formerly Invitae), Labcorp
Classification: Uncertain significance for Muscular dystrophy-dystroglycanopathy (congenital with impaired intellectual development), type B, 2; Muscular dystrophy-dystroglycanopathy (congenital with brain and eye anomalies), type A2; Autosomal recessive limb-girdle muscular dystrophy type 2N. Last evaluated: 2022-07-18. Review status: criteria provided, single submitter. Criteria: Invitae Variant Classification Sherloc (09022015). Collection method: clinical testing. Allele origin: germline.
Comment: This sequence change replaces arginine, which is basic and polar, with serine, which is neutral and polar, at codon 369 of the POMT2 protein (p.Arg369Ser). This variant is not present in population databases (gnomAD no frequency). This variant has not been reported in the literature in individuals affected with POMT2-related conditions. Algorithms developed to predict the effect of missense changes on protein structure and function are either unavailable or do not agree on the potential impact of this missense change (SIFT: "Deleterious"; PolyPhen-2: "Possibly Damaging"; Align-GVGD: "Class C0"). In summary, the available evidence is currently insufficient to determine the role of this variant in disease. Therefore, it has been classified as a Variant of Uncertain Significance.